The following is an entry in ClinVar:

NM_004281.4(BAG3):c.1220C>T (p.Pro407Leu)

Gene: BAG3 (BAG cochaperone 3; plus strand). Cytogenetic location: 10q26.11.
Variant type: single nucleotide variant.
Coding change: c.1220C>T on transcript NM_004281.4 (MANE Select); coding-DNA position 1220, C replaced by T.
Protein change: p.Pro407Leu; replaces proline 407 with leucine.
Molecular consequence: missense variant.
Genome position (GRCh38, 1-based): chr10:119,676,774, C>T. VCF-style: chr10-119676774-C-T. GRCh37 (hg19) VCF-style: chr10-121436286-C-T.
Other names: p.P407L:CCT>CTT; short protein forms P407L.
Identifiers: ClinVar variation 44776 (VCV000044776.45), dbSNP rs3858340, ClinGen allele CA282455.

ClinVar aggregate classification (germline): Benign. Review status: criteria provided, multiple submitters, no conflicts (2 of 4 stars). 19 submissions from 18 submitters: Benign (17). 2 of the submissions do not count toward it. Last evaluated 2026-02-04.

Conditions:
Cardiovascular phenotype. Identifiers: MedGen CN230736.
Myofibrillar myopathy 6. Identifiers: Orphanet 199340, MedGen C2751831, MONDO:0013061, OMIM 612954.
Dilated cardiomyopathy 1HH (CMD1HH). Identifiers: Orphanet 154, MedGen C3151293, MONDO:0013479, OMIM 613881.

Allele frequency attached by ClinVar (database versions not stated): TOPMed 0.13139; gnomAD 0.12393 and 0.12360; 1000 Genomes Project 0.15555; ExAC 0.11406; ESP Exome Variant Server 0.11572; 1000 Genomes Project 30x 0.15787; gnomAD exomes 0.09811 and 0.11762.
gnomAD v4.1: 162,711 of 1,614,030 alleles (10%); highest among the groups gnomAD compares: East Asian, 26%; 9,406 homozygotes.

Submissions (19):

Labcorp Genetics (formerly Invitae), Labcorp
Classification: Benign for Dilated cardiomyopathy 1HH; Myofibrillar myopathy 6. Last evaluated: 2026-02-04. Review status: criteria provided, single submitter. Criteria: Invitae Variant Classification Sherloc (09022015). Collection method: clinical testing. Allele origin: germline.

ARUP Laboratories, Molecular Genetics and Genomics, ARUP Laboratories
Classification: Benign. Last evaluated: 2025-07-22. Review status: criteria provided, single submitter. Criteria: ARUP Molecular Germline Variant Investigation Process 2024. Collection method: clinical testing. Allele origin: germline.

Molecular Diagnostic Laboratory for Inherited Cardiovascular Disease, Montreal Heart Institute
Classification: Benign. Last evaluated: 2025-04-09. Review status: criteria provided, single submitter. Criteria: ACMG Guidelines, 2015. Collection method: clinical testing. Allele origin: germline. Affected: no.

Blueprint Genetics
Classification: Benign. Last evaluated: 2024-11-27. Review status: criteria provided, single submitter. Criteria: ACMG Guidelines, 2015. Collection method: clinical testing. Allele origin: germline.

Mayo Clinic Laboratories, Mayo Clinic
Classification: Benign. Last evaluated: 2022-03-20. Review status: criteria provided, single submitter. Criteria: ACMG Guidelines, 2015. Collection method: clinical testing. Allele origin: germline. Observed: 589 variant alleles.
Comment: BA1

Mendelics
Classification: Benign for Myofibrillar myopathy 6. Last evaluated: 2019-05-28. Review status: criteria provided, single submitter. Criteria: Mendelics Assertion Criteria 2017. Collection method: clinical testing. Allele origin: unknown.

Women's Health and Genetics/Laboratory Corporation of America, LabCorp
Classification: Benign. Last evaluated: 2017-08-04. Review status: criteria provided, single submitter. Criteria: LabCorp Variant Classification Summary - May 2015. Collection method: clinical testing. Allele origin: germline.
Comment: Variant summary: The BAG3 c.1220C>T (p.Pro407Leu) variant involves the alteration of a conserved nucleotide. 2/4 in silico tools predict benign outcome for this variant (Mutation Taster not captured due to low reliability index). This variant was found in 13824/121204 control chromosomes (1012 homozygotes) from ExAC at a frequency of 0.1140556, which is approximately 2920 times the estimated maximal expected allele frequency of a pathogenic BAG3 variant (0.0000391), thus this variant is a common benign polymorphism. In addition, multiple clinical diagnostic laboratories have classified this variant as benign. In literature, this variant has been reported in one DCM patient who also carried a rare variant p.I206V and was classified as a known polymorphism (Ruppert_2013). Taken together, this variant is classified as benign.

Athena Diagnostics
Classification: Benign for Myofibrillar myopathy 6. Last evaluated: 2017-06-02. Review status: criteria provided, single submitter. Criteria: Athena Diagnostics Criteria. Collection method: clinical testing. Allele origin: germline.

Illumina Laboratory Services, Illumina
Classification: Benign for Dilated cardiomyopathy 1HH. Last evaluated: 2017-04-27. Review status: criteria provided, single submitter. Criteria: ICSL Variant Classification Criteria 13 December 2019. Collection method: clinical testing. Allele origin: germline.
Comment: This variant was observed as part of a predisposition screen in an ostensibly healthy population. A literature search was performed for the gene, cDNA change, and amino acid change (where applicable). No publications were found based on this search. Allele frequency data from public databases was too high to be consistent with this variant causing disease. Therefore, this variant is classified as benign.

Illumina Laboratory Services, Illumina
Classification: Benign for Myofibrillar myopathy 6. Last evaluated: 2017-04-27. Review status: criteria provided, single submitter. Criteria: ICSL Variant Classification Criteria 13 December 2019. Collection method: clinical testing. Allele origin: germline.
Comment: the same text as in the submission from Illumina Laboratory Services, Illumina above.

Ambry Genetics
Classification: Benign for Cardiovascular phenotype. Last evaluated: 2015-03-11. Review status: criteria provided, single submitter. Criteria: Ambry Variant Classification Scheme 2023. Collection method: clinical testing. Allele origin: germline.

GeneDx
Classification: Benign. Last evaluated: 2014-01-20. Review status: criteria provided, single submitter. Criteria: GeneDx Variant Classification (06012015). Collection method: clinical testing. Allele origin: germline. Affected: yes.
Comment: This variant is considered likely benign or benign based on one or more of the following criteria: it is a conservative change, it occurs at a poorly conserved position in the protein, it is predicted to be benign by multiple in silico algorithms, and/or has population frequency not consistent with disease.

Biesecker Lab/Clinical Genomics Section, National Institutes of Health
Classification: Benign. Last evaluated: 2013-06-24. Review status: criteria provided, single submitter. Criteria: Ng et al. (Circ Cardiovasc Genet. 2013). Collection method: research. Allele origin: unknown. Observed: 155 variant alleles. Study: ClinSeq.
Comment: The study set was not selected for affection status in relation to any cancer. Pathogenicity categories were based on literature curation. See Pubmed ID:23861362 for details.

Medical sequencing

Eurofins Ntd Llc (ga)
Classification: Benign. Last evaluated: 2013-03-12. Review status: criteria provided, single submitter. Criteria: EGL Classification Definitions 2015. Collection method: clinical testing. Allele origin: germline. Observed: 1 variant allele, 1 heterozygote.

Laboratory for Molecular Medicine, Mass General Brigham Personalized Medicine
Classification: Benign. Last evaluated: 2012-03-19. Review status: criteria provided, single submitter. Criteria: LMM Criteria. Collection method: clinical testing. Allele origin: germline. Observed: 362 variant alleles.
Comment: p.Pro407Leu in Exon 04 of BAG3: This variant is not expected to have clinical si gnificance because it has been identified in 17.0% (636/3738) of African America n chromosomes from a broad population by the NHLBI Exome Sequencing Project (dbSNP rs3858340).

Breakthrough Genomics
Classification: Benign. Review status: criteria provided, single submitter. Criteria: ACMG Guidelines, 2015. Collection method: not provided. Allele origin: germline. Inheritance: Autosomal dominant inheritance. Affected: yes.

PreventionGenetics, part of Exact Sciences
Classification: Benign. Review status: criteria provided, single submitter. Criteria: ACMG Guidelines, 2015. Collection method: clinical testing. Allele origin: germline.

Clinical Genetics, Academic Medical Center
Classification: Benign. Review status: no assertion criteria provided. Collection method: clinical testing. Allele origin: germline. Affected: yes. Study: VKGL Data-share Consensus. Not counted in ClinVar's aggregate classification.

Joint Genome Diagnostic Labs from Nijmegen and Maastricht, Radboudumc and MUMC+
Classification: Benign. Review status: no assertion criteria provided. Collection method: clinical testing. Allele origin: germline. Affected: yes. Study: VKGL Data-share Consensus. Not counted in ClinVar's aggregate classification.